The following is an entry in ClinVar:

NM_001243925.2(MAPKAPK3):c.335G>A (p.Arg112His)

Gene: MAPKAPK3 (MAPK activated protein kinase 3; plus strand). Cytogenetic location: 3p21.2.
Variant type: single nucleotide variant.
Coding change: c.335G>A on transcript NM_001243925.2 (MANE Select); coding-DNA position 335, G replaced by A.
Protein change: p.Arg112His; replaces arginine 112 with histidine.
Molecular consequence: missense variant.
Genome position (GRCh38, 1-based): chr3:50,640,481, G>A. VCF-style: chr3-50640481-G-A. GRCh37 (hg19) VCF-style: chr3-50677912-G-A.
Other names: c.335G>A, p.Arg112His (NM_001243926.2, NM_004635.5); c.335G>A (NM_004635.4); short protein forms R112H.
Identifiers: ClinVar variation 1404371 (VCV001404371.7), dbSNP rs759497061, ClinGen allele CA2420215.

ClinVar aggregate classification (germline): Uncertain significance. Review status: criteria provided, multiple submitters, no conflicts (2 of 4 stars). 2 submissions from 2 submitters: Uncertain significance (2). Last evaluated 2025-12-21.

Allele frequency attached by ClinVar (database versions not stated): ExAC 0.00004; gnomAD 0.00006 and 0.00007; gnomAD exomes 0.00008; TOPMed 0.00011.

Submissions (2):

Labcorp Genetics (formerly Invitae), Labcorp
Classification: Uncertain significance. Last evaluated: 2025-12-21. Review status: criteria provided, single submitter. Criteria: Invitae Variant Classification Sherloc (09022015). Collection method: clinical testing. Allele origin: germline.
Comment: This sequence change replaces arginine, which is basic and polar, with histidine, which is basic and polar, at codon 112 of the MAPKAPK3 protein (p.Arg112His). This variant is present in population databases (rs759497061, gnomAD 0.05%). This variant has not been reported in the literature in individuals affected with MAPKAPK3-related conditions. ClinVar contains an entry for this variant (Variation ID: 1404371). An algorithm developed to predict the effect of missense changes on protein structure and function (PolyPhen-2) suggests that this variant is likely to be tolerated. In summary, the available evidence is currently insufficient to determine the role of this variant in disease. Therefore, it has been classified as a Variant of Uncertain Significance.

Ambry Genetics
Classification: Uncertain significance. Last evaluated: 2025-08-23. Review status: criteria provided, single submitter. Criteria: Ambry Variant Classification Scheme 2023. Collection method: clinical testing. Allele origin: germline.